The following is an entry in ClinVar:

NM_022114.4(PRDM16):c.778C>G (p.Leu260Val)

Gene: PRDM16 (PR/SET domain 16; plus strand). Cytogenetic location: 1p36.32.
Variant type: single nucleotide variant.
Coding change: c.778C>G on transcript NM_022114.4 (MANE Select); coding-DNA position 778, C replaced by G.
Protein change: p.Leu260Val; replaces leucine 260 with valine.
Molecular consequence: missense variant.
Genome position (GRCh38, 1-based): chr1:3,402,892, C>G. VCF-style: chr1-3402892-C-G. GRCh37 (hg19) VCF-style: chr1-3319456-C-G.
Other names: c.778C>G, p.Leu260Val (NM_199454.3); short protein forms L260V.
Identifiers: ClinVar variation 579622 (VCV000579622.14), dbSNP rs762328436, ClinGen allele CA543958.

ClinVar aggregate classification (germline): Uncertain significance. Review status: criteria provided, multiple submitters, no conflicts (2 of 4 stars). 3 submissions from 3 submitters: Uncertain significance (3). Last evaluated 2025-08-06.

Conditions:
Left ventricular noncompaction 8 (LVNC8). Identifiers: Orphanet 154, Orphanet 54260, MedGen C3809288, MONDO:0014152, OMIM 615373.

Allele frequency attached by ClinVar (database versions not stated): gnomAD 0.00005 and 0.00006; ExAC 0.00002; TOPMed 0.00008.
gnomAD v4.1: 73 of 1,612,922 alleles (0.0045%); highest among the groups gnomAD compares: Middle Eastern, 0.016%; no homozygotes.

Submissions (3):

Labcorp Genetics (formerly Invitae), Labcorp
Classification: Uncertain significance for Left ventricular noncompaction 8. Last evaluated: 2025-08-06. Review status: criteria provided, single submitter. Criteria: Invitae Variant Classification Sherloc (09022015). Collection method: clinical testing. Allele origin: germline.
Comment: This sequence change replaces leucine, which is neutral and non-polar, with valine, which is neutral and non-polar, at codon 260 of the PRDM16 protein (p.Leu260Val). This variant is present in population databases (rs762328436, gnomAD 0.009%). This missense change has been observed in individual(s) with dilated cardiomyopathy (PMID: 31983221). ClinVar contains an entry for this variant (Variation ID: 579622). An algorithm developed to predict the effect of missense changes on protein structure and function (PolyPhen-2) suggests that this variant is likely to be tolerated. In summary, the available evidence is currently insufficient to determine the role of this variant in disease. Therefore, it has been classified as a Variant of Uncertain Significance.

Dasa
Classification: Uncertain significance. Last evaluated: 2025-07-07. Review status: criteria provided, single submitter. Criteria: DASA Assertion Criteria. Collection method: clinical testing. Allele origin: germline.
Comment: NM_022114.4(PRDM16):c.778C>G (p.Leu260Val) is a missense variant that results in the substitution of leucine with valine. This variant is rare in population databases. Computational prediction algorithms are consistent with a benign effect. The currently available literature and clinical evidence are not sufficient to establish a definitive association between this variant and the reported condition. Therefore, this variant is classified as a variant of uncertain significance.

GeneDx
Classification: Uncertain significance. Last evaluated: 2021-10-21. Review status: criteria provided, single submitter. Criteria: GeneDx Variant Classification Process June 2021. Collection method: clinical testing. Allele origin: germline. Affected: yes.
Comment: Reported in a patient with dilated cardiomyopathy (Mazzarotto et al., 2020); however, specific clinical information was not provided; In silico analysis supports that this missense variant does not alter protein structure/function; Reported in ClinVar as a variant of uncertain significance (ClinVar Variant ID# 579622; Landrum et al., 2016); This variant is associated with the following publications: (PMID: 31983221, 26582918)

Literature cited by the submitters: PubMed 31983221 (cited by Labcorp Genetics (formerly Invitae), Labcorp).